The following is an entry in ClinVar:

NM_003737.4(DCHS1):c.7322G>A (p.Gly2441Asp)

Gene: DCHS1 (dachsous cadherin-related 1; minus strand). Cytogenetic location: 11p15.4.
Variant type: single nucleotide variant.
Coding change: c.7322G>A on transcript NM_003737.4 (MANE Select); coding-DNA position 7322, G replaced by A.
Protein change: p.Gly2441Asp; replaces glycine 2441 with aspartic acid.
Molecular consequence: missense variant.
Genome position (GRCh38, 1-based): chr11:6,624,354, C>T on the plus strand (G>A on the coding strand, the complement: DCHS1 is on the minus strand). VCF-style: chr11-6624354-C-T. GRCh37 (hg19) VCF-style: chr11-6645585-C-T.
Other names: c.7322G>A (NM_003737.2); short protein forms G2441D.
Identifiers: ClinVar variation 3004840 (VCV003004840.4), dbSNP rs766706045, ClinGen allele CA5859626.

ClinVar aggregate classification (germline): Uncertain significance. Review status: criteria provided, multiple submitters, no conflicts (2 of 4 stars). 2 submissions from 2 submitters: Uncertain significance (2). Last evaluated 2026-02-02.

Conditions:
Inborn genetic diseases. Identifiers: MedGen C0950123, MeSH D030342.

Allele frequency attached by ClinVar (database versions not stated): gnomAD exomes 0.00006; gnomAD 0.00004; TOPMed 0.00003; ExAC 0.00006.

Submissions (2):

Labcorp Genetics (formerly Invitae), Labcorp
Classification: Uncertain significance. Last evaluated: 2026-02-02. Review status: criteria provided, single submitter. Criteria: Invitae Variant Classification Sherloc (09022015). Collection method: clinical testing. Allele origin: germline.
Comment: This sequence change replaces glycine, which is neutral and non-polar, with aspartic acid, which is acidic and polar, at codon 2441 of the DCHS1 protein (p.Gly2441Asp). This variant is present in population databases (rs766706045, gnomAD 0.01%). This variant has not been reported in the literature in individuals affected with DCHS1-related conditions. ClinVar contains an entry for this variant (Variation ID: 3004840). Invitae Evidence Modeling of protein sequence and biophysical properties (such as structural, functional, and spatial information, amino acid conservation, physicochemical variation, residue mobility, and thermodynamic stability) indicates that this missense variant is not expected to disrupt DCHS1 protein function with a negative predictive value of 80%. In summary, the available evidence is currently insufficient to determine the role of this variant in disease. Therefore, it has been classified as a Variant of Uncertain Significance.

Ambry Genetics
Classification: Uncertain significance for Inborn genetic diseases. Last evaluated: 2025-01-07. Review status: criteria provided, single submitter. Criteria: Ambry Variant Classification Scheme 2023. Collection method: clinical testing. Allele origin: germline.